The following is an entry in ClinVar:

ClinVar aggregate classification (germline): Uncertain significance (1 of 4 stars; one submission).

Conditions:
Surfactant metabolism dysfunction, pulmonary, 4 (SMDP4). Also called: CSF2RA DEFICIENCY; PAP DUE TO CSF2RA DEFICIENCY; PULMONARY ALVEOLAR PROTEINOSIS, CONGENITAL, 4. Identifiers: Orphanet 264675, MedGen C2677877, MONDO:0010424, OMIM 300770.

gnomAD v4.1: 3 of 1,613,752 alleles (0.00019%); highest among the groups gnomAD compares: Non-Finnish European, 0.00025%; no homozygotes.

Submission:

Labcorp Genetics (formerly Invitae), Labcorp
Classification: Uncertain significance for Surfactant metabolism dysfunction, pulmonary, 4. Last evaluated: 2025-09-09. Review status: criteria provided, single submitter. Criteria: Invitae Variant Classification Sherloc (09022015). Collection method: clinical testing. Allele origin: germline.
Comment: This sequence change replaces tyrosine, which is neutral and polar, with phenylalanine, which is neutral and non-polar, at codon 248 of the CSF2RA protein (p.Tyr248Phe). This variant is not present in population databases (gnomAD no frequency). This variant has not been reported in the literature in individuals affected with CSF2RA-related conditions. Invitae Evidence Modeling of protein sequence and biophysical properties (such as structural, functional, and spatial information, amino acid conservation, physicochemical variation, residue mobility, and thermodynamic stability) indicates that this missense variant is not expected to disrupt CSF2RA protein function with a negative predictive value of 80%. In summary, the available evidence is currently insufficient to determine the role of this variant in disease. Therefore, it has been classified as a Variant of Uncertain Significance.

NM_172245.4(CSF2RA):c.743A>T (p.Tyr248Phe)

Gene: CSF2RA (colony stimulating factor 2 receptor subunit alpha; plus strand). Cytogenetic location: Xp22.33.
Variant type: single nucleotide variant.
Coding change: c.743A>T on transcript NM_172245.4 (MANE Select); coding-DNA position 743, A replaced by T.
Protein change: p.Tyr248Phe; replaces tyrosine 248 with phenylalanine.
Molecular consequence: missense variant. On other transcripts: non-coding transcript variant (1), intron variant (1).
Genome position (GRCh38, 1-based): chrX:1,294,424, A>T. VCF-style: chrX-1294424-A-T. GRCh37 (hg19) VCF-style: chrX-1413317-A-T.
Other names: c.743A>T, p.Tyr248Phe (NM_001161529.2, NM_001161530.2, NM_001161531.2 and 18 more transcripts); c.344A>T, p.Tyr115Phe (NM_001161532.2); c.724A>T, p.Thr242Ser (NM_001379166.1); c.646+3915A>T (NM_172249.4); short protein forms Y115F, T242S, Y248F.
Identifiers: ClinVar variation 4768544 (VCV004768544.1).
Genomic context (GRCh38, chrX:1,294,424, plus strand): 5'-GCAACACGACGCACTGCCTCGTACGGTGGAAACAGCCCAGGACCTATCAGAAGCTGTCGT[A>T]CCTGGACTTTCAGTACCAGCTGGACGTCCACAGAAAGGTCGGTGAGAGCTCCCCGGGGCT-3'
Protein context (NP_758448.1, residues 238-258): KQPRTYQKLS[Tyr248Phe]LDFQYQLDVH